The following is an entry in ClinVar:

NM_014053.4(FLVCR1):c.42C>T (p.Pro14=)

Gene: FLVCR1 (FLVCR choline and heme transporter 1; plus strand). Cytogenetic location: 1q32.3.
Variant type: single nucleotide variant.
Coding change: c.42C>T on transcript NM_014053.4 (MANE Select); coding-DNA position 42, C replaced by T.
Protein change: p.Pro14=; no amino-acid change (proline 14 retained).
Molecular consequence: synonymous variant.
Genome position (GRCh38, 1-based): chr1:212,858,494, C>T. VCF-style: chr1-212858494-C-T. GRCh37 (hg19) VCF-style: chr1-213031836-C-T.
Identifiers: ClinVar variation 295311 (VCV000295311.15), dbSNP rs886045923, ClinGen allele CA10609673.

ClinVar aggregate classification (germline): Conflicting classifications of pathogenicity. Review status: criteria provided, conflicting classifications (1 of 4 stars). 4 submissions from 4 submitters: Uncertain significance (1); Likely benign (3). Last evaluated 2025-08-08.

Conditions:
FLVCR1-related disorder. Also called: FLVCR1-related condition.
Posterior column ataxia-retinitis pigmentosa syndrome (RETSNS). Also called: RETINOPATHY-SENSORY NEUROPATHY SYNDROME. Identifiers: Orphanet 88628, MedGen C1836916, MONDO:0012177, OMIM 609033.

Allele frequency attached by ClinVar (database versions not stated): gnomAD 0.00003; gnomAD exomes 0.00003; TOPMed 0.00003.
gnomAD v4.1: 47 of 1,445,890 alleles (0.0033%); highest among the groups gnomAD compares: Non-Finnish European, 0.0041%; no homozygotes.

Submissions (4):

Labcorp Genetics (formerly Invitae), Labcorp
Classification: Likely benign. Last evaluated: 2025-08-08. Review status: criteria provided, single submitter. Criteria: Invitae Variant Classification Sherloc (09022015). Collection method: clinical testing. Allele origin: germline.

PreventionGenetics, part of Exact Sciences
Classification: Likely benign for FLVCR1-related condition. Last evaluated: 2025-01-15. Review status: criteria provided, single submitter. Criteria: ACMG Guidelines, 2015. Collection method: clinical testing. Allele origin: germline.
Comment: This variant is classified as likely benign based on ACMG/AMP sequence variant interpretation guidelines (Richards et al. 2015 PMID: 25741868, with internal and published modifications).

Blueprint Genetics
Classification: Likely benign. Last evaluated: 2024-02-13. Review status: criteria provided, single submitter. Criteria: ACMG Guidelines, 2015. Collection method: clinical testing. Allele origin: germline.

Illumina Laboratory Services, Illumina
Classification: Uncertain significance for Posterior column ataxia-retinitis pigmentosa syndrome. Last evaluated: 2018-01-13. Review status: criteria provided, single submitter. Criteria: ICSL Variant Classification Criteria 13 December 2019. Collection method: clinical testing. Allele origin: germline.